The following is an entry in ClinVar:

ClinVar aggregate classification (germline): Uncertain significance (1 of 4 stars; one submission).

Conditions:
Hereditary cancer-predisposing syndrome. Also called: Neoplastic Syndromes, Hereditary; Tumor predisposition; Hereditary Cancer Syndrome; Hereditary neoplastic syndrome. Identifiers: Orphanet 140162, MedGen C0027672, MeSH D009386, MONDO:0015356.

Submission:

Ambry Genetics
Classification: Uncertain significance for Hereditary cancer-predisposing syndrome. Last evaluated: 2022-07-06. Review status: criteria provided, single submitter. Criteria: Ambry Variant Classification Scheme 2023. Collection method: clinical testing. Allele origin: germline.
Comment: The p.K423N variant (also known as c.1269G>C), located in coding exon 9 of the STK11 gene, results from a G to C substitution at nucleotide position 1269. The lysine at codon 423 is replaced by asparagine, an amino acid with similar properties. This amino acid position is conserved. In addition, this alteration is predicted to be tolerated by in silico analysis. Since supporting evidence is limited at this time, the clinical significance of this alteration remains unclear.

NM_000455.5(STK11):c.1269G>C (p.Lys423Asn)

Gene: STK11 (serine/threonine kinase 11; plus strand). Cytogenetic location: 19p13.3.
Variant type: single nucleotide variant.
Coding change: c.1269G>C on transcript NM_000455.5 (MANE Select); coding-DNA position 1269, G replaced by C.
Protein change: p.Lys423Asn; replaces lysine 423 with asparagine.
Molecular consequence: missense variant.
Genome position (GRCh38, 1-based): chr19:1,226,614, G>C. VCF-style: chr19-1226614-G-C. GRCh37 (hg19) VCF-style: chr19-1226613-G-C.
Other names: short protein forms K423N.
Identifiers: ClinVar variation 1764889 (VCV001764889.2), dbSNP rs1468066114, ClinGen allele CA402954151.
Genomic context (GRCh38, chr19:1,226,614, plus strand): 5'-ATCCAGGGCGGAGGGCCGGGCCCCCAACCCTGCCCGCAAGGCCTGCTCCGCCAGCAGCAA[G>C]ATCCGCCGGCTGTCGGCCTGCAAGCAGCAGTGAGGCTGGCCGCCTGCAGGTGGGGCGCGG-3'
Protein context (NP_000446.1, residues 413-433): PARKACSASS[Lys423Asn]IRRLSACKQQ